The following is an entry in ClinVar:

NM_001458.5(FLNC):c.4648A>C (p.Asn1550His)

Gene: FLNC (filamin C; plus strand). Cytogenetic location: 7q32.1.
Variant type: single nucleotide variant.
Coding change: c.4648A>C on transcript NM_001458.5 (MANE Select); coding-DNA position 4648, A replaced by C.
Protein change: p.Asn1550His; replaces asparagine 1550 with histidine.
Molecular consequence: missense variant.
Genome position (GRCh38, 1-based): chr7:128,848,628, A>C. VCF-style: chr7-128848628-A-C. GRCh37 (hg19) VCF-style: chr7-128488682-A-C.
Other names: c.4648A>C, p.Asn1550His (NM_001127487.2); short protein forms N1550H.
Identifiers: ClinVar variation 3895132 (VCV003895132.1), dbSNP rs528458873.

ClinVar aggregate classification (germline): Uncertain significance (1 of 4 stars; one submission).

Conditions:
Cardiovascular phenotype. Identifiers: MedGen CN230736.

gnomAD v4.1: 1 of 1,613,676 alleles (0.000062%); highest among the groups gnomAD compares: East Asian, 0.0022%; no homozygotes.

Submission:

Molecular Diagnostic Laboratory for Inherited Cardiovascular Disease, Montreal Heart Institute
Classification: Uncertain significance for Cardiovascular phenotype. Last evaluated: 2025-04-09. Review status: criteria provided, single submitter. Criteria: ACMG Guidelines, 2015. Collection method: clinical testing. Allele origin: germline. Affected: yes.
Comment: PM2